The following is an entry in ClinVar:

NM_080425.4(GNAS):c.1980C>T (p.Arg660=)

Gene: GNAS (GNAS complex locus; plus strand). Cytogenetic location: 20q13.32.
Variant type: single nucleotide variant.
Coding change: c.1980C>T on transcript NM_080425.4 (MANE Plus Clinical); coding-DNA position 1980, C replaced by T.
Protein change: p.Arg660=; no amino-acid change (arginine 660 retained).
Molecular consequence: synonymous variant. On other transcripts: missense variant (2), intron variant (3).
Genome position (GRCh38, 1-based): chr20:58,855,245, C>T. VCF-style: chr20-58855245-C-T. GRCh37 (hg19) VCF-style: chr20-57430300-C-T.
Other names: c.1793C>T, p.Ala598Val (NM_001077490.3, NM_001309883.1); c.1980C>T, p.Arg660= (NM_001410913.1); c.*42+14359C>T (NM_016592.5); c.43+14359C>T (NM_001410912.1); c.-39+13370C>T (NM_001309861.2); short protein forms A598V.
Identifiers: ClinVar variation 3047159 (VCV003047159.3), dbSNP rs201513160, ClinGen allele CA9926800.

ClinVar aggregate classification (germline): Likely benign. Review status: criteria provided, single submitter (1 of 4 stars). 2 submissions from 2 submitters: Likely benign (1). 1 of the submissions does not count toward it. Last evaluated 2023-02-28.

Conditions:
GNAS-related disorder. Identifiers: MedGen CN380105.

Allele frequency attached by ClinVar (database versions not stated): gnomAD exomes 0.00012; ESP Exome Variant Server 0.00008; ExAC 0.00019; TOPMed 0.00003; gnomAD 0.00011.
gnomAD v4.1: 86 of 1,591,166 alleles (0.0054%); highest among the groups gnomAD compares: Non-Finnish European, 0.00068%; no homozygotes.

Submissions (2):

Blueprint Genetics
Classification: Likely benign. Last evaluated: 2023-02-28. Review status: criteria provided, single submitter. Criteria: ACMG Guidelines, 2015. Collection method: clinical testing. Allele origin: germline.

PreventionGenetics, part of Exact Sciences
Classification: Likely benign for GNAS-related condition. Last evaluated: 2023-02-15. Review status: no assertion criteria provided. Collection method: clinical testing. Allele origin: germline. Not counted in ClinVar's aggregate classification.
Comment: This variant is classified as likely benign based on ACMG/AMP sequence variant interpretation guidelines (Richards et al. 2015 PMID: 25741868, with internal and published modifications).